The following is an entry in ClinVar:

NM_006445.4(PRPF8):c.4644T>C (p.Tyr1548=)

Gene: PRPF8 (pre-mRNA processing factor 8; minus strand). Cytogenetic location: 17p13.3.
Variant type: single nucleotide variant.
Coding change: c.4644T>C on transcript NM_006445.4 (MANE Select); coding-DNA position 4644, T replaced by C.
Protein change: p.Tyr1548=; no amino-acid change (tyrosine 1548 retained).
Molecular consequence: synonymous variant.
Genome position (GRCh38, 1-based): chr17:1,660,573, A>G on the plus strand (T>C on the coding strand, the complement: PRPF8 is on the minus strand). VCF-style: chr17-1660573-A-G. GRCh37 (hg19) VCF-style: chr17-1563867-A-G.
Other names: c.4644T>C (NM_006445.3).
Identifiers: ClinVar variation 1639964 (VCV001639964.10), dbSNP rs778783099, ClinGen allele CA8271609.

ClinVar aggregate classification (germline): Likely benign. Review status: criteria provided, multiple submitters, no conflicts (2 of 4 stars). 3 submissions from 3 submitters: Likely benign (3). Last evaluated 2025-07-30.

Conditions:
PRPF8-related disorder. Also called: PRPF8-related condition.

Allele frequency attached by ClinVar (database versions not stated): gnomAD exomes 0.00001 and 0.00002; ExAC 0.00002; gnomAD 0.00006 and 0.00007; TOPMed 0.00009.
gnomAD v4.1: 20 of 1,614,092 alleles (0.0012%); highest among the groups gnomAD compares: African/African-American, 0.016%; no homozygotes.

Submissions (3):

PreventionGenetics, part of Exact Sciences
Classification: Likely benign for PRPF8-related condition. Last evaluated: 2025-07-30. Review status: criteria provided, single submitter. Criteria: ACMG Guidelines, 2015. Collection method: clinical testing. Allele origin: germline.
Comment: This variant is classified as likely benign based on ACMG/AMP sequence variant interpretation guidelines (Richards et al. 2015 PMID: 25741868, with internal and published modifications).

Labcorp Genetics (formerly Invitae), Labcorp
Classification: Likely benign. Last evaluated: 2025-02-08. Review status: criteria provided, single submitter. Criteria: Invitae Variant Classification Sherloc (09022015). Collection method: clinical testing. Allele origin: germline.

Blueprint Genetics
Classification: Likely benign. Last evaluated: 2022-09-16. Review status: criteria provided, single submitter. Criteria: ACMG Guidelines, 2015. Collection method: clinical testing. Allele origin: germline.